The following is an entry in ClinVar:

ClinVar aggregate classification (germline): Uncertain significance (1 of 4 stars; one submission).

Allele frequency attached by ClinVar (database versions not stated): gnomAD exomes 0.00001; ExAC 0.00003.
gnomAD v4.1: 9 of 1,418,274 alleles (0.00063%); highest among the groups gnomAD compares: Non-Finnish European, 0.00074%; no homozygotes.

Submission:

Ambry Genetics
Classification: Uncertain significance. Last evaluated: 2023-12-14. Review status: criteria provided, single submitter. Criteria: Ambry Variant Classification Scheme 2023. Collection method: clinical testing. Allele origin: germline.
Comment: The p.E271D variant (also known as c.813A>C), located in coding exon 9 of the BUB1 gene, results from an A to C substitution at nucleotide position 813. The glutamic acid at codon 271 is replaced by aspartic acid, an amino acid with highly similar properties. This amino acid position is conserved. In addition, this alteration is predicted to be tolerated by in silico analysis. Since supporting evidence is limited at this time, the clinical significance of this alteration remains unclear.

NM_004336.5(BUB1):c.813A>C (p.Glu271Asp)

Gene: BUB1 (BUB1 mitotic checkpoint serine/threonine kinase; minus strand). Cytogenetic location: 2q13.
Variant type: single nucleotide variant.
Coding change: c.813A>C on transcript NM_004336.5 (MANE Select); coding-DNA position 813, A replaced by C.
Protein change: p.Glu271Asp; replaces glutamic acid 271 with aspartic acid.
Molecular consequence: missense variant.
Genome position (GRCh38, 1-based): chr2:110,666,407, T>G on the plus strand (A>C on the coding strand, the complement: BUB1 is on the minus strand). VCF-style: chr2-110666407-T-G. GRCh37 (hg19) VCF-style: chr2-111423984-T-G.
Other names: c.753A>C, p.Glu251Asp (NM_001278616.2); c.813A>C, p.Glu271Asp (NM_001278617.2); short protein forms E271D, E251D.
Identifiers: ClinVar variation 1762144 (VCV001762144.2), dbSNP rs754257881, ClinGen allele CA1828229.
Genomic context (GRCh38, chr2:110,666,407, plus strand): 5'-CTGTTTTAATAGCTGTTCTTCAAAAGCATTTGCTTCTTTCCTTTTCATATAATGTCTGTC[T>G]TCATTTACTTTAGGAAAGATAGAAATGGTTTGCATGCAAAATTTAAATCCAGGTCATCAT-3'
Protein context (NP_004327.1, residues 261-281): QRRKHEQWVN[Glu271Asp]DRHYMKRKEA